The following is an entry in ClinVar:

ClinVar aggregate classification (germline): Uncertain significance. Review status: criteria provided, multiple submitters, no conflicts (2 of 4 stars). 2 submissions from 2 submitters: Uncertain significance (2). Last evaluated 2024-03-04.

Conditions:
Cardiovascular phenotype. Identifiers: MedGen CN230736.
Long QT syndrome (LQTS). Identifiers: MedGen C0023976, MeSH D008133, MONDO:0002442. Disease mechanism: loss of function. Inheritance: Various modes of inheritance.

Allele frequency attached by ClinVar (database versions not stated): gnomAD exomes below 0.00001.
gnomAD v4.1: 3 of 1,611,220 alleles (0.00019%); highest among the groups gnomAD compares: Non-Finnish European, 0.00025%; no homozygotes.

Submissions (2):

Labcorp Genetics (formerly Invitae), Labcorp
Classification: Uncertain significance for Long QT syndrome. Last evaluated: 2024-03-04. Review status: criteria provided, single submitter. Criteria: Invitae Variant Classification Sherloc (09022015). Collection method: clinical testing. Allele origin: germline.
Comment: This sequence change replaces glutamine, which is neutral and polar, with glutamic acid, which is acidic and polar, at codon 2832 of the AKAP9 protein (p.Gln2832Glu). This variant is present in population databases (no rsID available, gnomAD 0.0009%). This variant has not been reported in the literature in individuals affected with AKAP9-related conditions. ClinVar contains an entry for this variant (Variation ID: 2564449). An algorithm developed to predict the effect of missense changes on protein structure and function (PolyPhen-2) suggests that this variant is likely to be tolerated. In summary, the available evidence is currently insufficient to determine the role of this variant in disease. Therefore, it has been classified as a Variant of Uncertain Significance.

Ambry Genetics
Classification: Uncertain significance for Cardiovascular phenotype. Last evaluated: 2023-03-16. Review status: criteria provided, single submitter. Criteria: Ambry Variant Classification Scheme 2023. Collection method: clinical testing. Allele origin: germline.
Comment: The p.Q2832E variant (also known as c.8494C>G), located in coding exon 33 of the AKAP9 gene, results from a C to G substitution at nucleotide position 8494. The glutamine at codon 2832 is replaced by glutamic acid, an amino acid with highly similar properties. This amino acid position is conserved. In addition, this alteration is predicted to be tolerated by in silico analysis. Since supporting evidence is limited at this time, the clinical significance of this alteration remains unclear.

NM_005751.5(AKAP9):c.8494C>G (p.Gln2832Glu)

Gene: AKAP9 (A-kinase anchoring protein 9; plus strand). Cytogenetic location: 7q21.2.
Variant type: single nucleotide variant.
Coding change: c.8494C>G on transcript NM_005751.5 (MANE Select); coding-DNA position 8494, C replaced by G.
Protein change: p.Gln2832Glu; replaces glutamine 2832 with glutamic acid.
Molecular consequence: missense variant.
Genome position (GRCh38, 1-based): chr7:92,083,503, C>G. VCF-style: chr7-92083503-C-G. GRCh37 (hg19) VCF-style: chr7-91712817-C-G.
Other names: c.3139C>G, p.Gln1047Glu (NM_001379277.1); c.8470C>G, p.Gln2824Glu (NM_147185.3); short protein forms Q2824E, Q2832E, Q1047E.
Identifiers: ClinVar variation 2564449 (VCV002564449.4), dbSNP rs1410587848, ClinGen allele CA368139318.
Genomic context (GRCh38, chr7:92,083,503, plus strand): 5'-TGTTCCTCAGAAGAAGTTACTGAAATAATCAGTCAGTTTACTGAAAAAATTGAGAAGATG[C>G]AAGAACTACATGCTGCTGAAATTTTGGACATGGAATCCAGACATATTTCAGAAACTGAAA-3'
Protein context (NP_005742.4, residues 2822-2842): SQFTEKIEKM[Gln2832Glu]ELHAAEILDM